The following is an entry in ClinVar:

NM_020928.2(ZSWIM6):c.442GGC[4] (p.Gly152_Gly154del)

Gene: ZSWIM6 (zinc finger SWIM-type containing 6; plus strand). Cytogenetic location: 5q12.1.
Variant type: Microsatellite.
Coding change: c.442GGC[4] on transcript NM_020928.2 (MANE Select); four copies in a row of the 3-base unit GGC starting at c.442; the reference has seven copies in a row; three copies, 9 bases deleted.
Protein change: p.Gly152_Gly154del.
Molecular consequence: inframe deletion.
Genome position (GRCh38, 1-based): chr5:61,332,726-61,332,734, GGCGGCGGC deleted; deleting any 9 consecutive bases within chr5:61,332,714-61,332,734 gives the same sequence; the position shown is the placement nearest the transcript's 3' end. VCF-style (leftmost placement, unchanged base first): chr5-61332713-GGGCGGCGGC-G. GRCh37 (hg19) VCF-style: chr5-60628540-GGGCGGCGGC-G.
Identifiers: ClinVar variation 1989436 (VCV001989436.31), dbSNP rs864309616, ClinGen allele CA444673917.

ClinVar aggregate classification (germline): Conflicting classifications of pathogenicity. Review status: criteria provided, conflicting classifications (1 of 4 stars). 2 submissions from 2 submitters: Uncertain significance (1); Likely benign (1). Last evaluated 2026-07-01.

Submissions (2):

CeGaT Center for Human Genetics Tuebingen
Classification: Likely benign. Last evaluated: 2026-07-01. Review status: criteria provided, single submitter. Criteria: CeGaT Center For Human Genetics Tuebingen Variant Classification Criteria Version 2. Collection method: clinical testing. Allele origin: germline. Affected: yes. Observed: 9 variant alleles.
Comment: ZSWIM6: BS2

Labcorp Genetics (formerly Invitae), Labcorp
Classification: Uncertain significance. Last evaluated: 2021-02-10. Review status: criteria provided, single submitter. Criteria: Invitae Variant Classification Sherloc (09022015). Collection method: clinical testing. Allele origin: germline.
Comment: In summary, the available evidence is currently insufficient to determine the role of this variant in disease. Therefore, it has been classified as a Variant of Uncertain Significance. Experimental studies and prediction algorithms are not available or were not evaluated, and the functional significance of this variant is currently unknown. This variant has not been reported in the literature in individuals with ZSWIM6-related conditions. The frequency data for this variant in the population databases is considered unreliable, as metrics indicate insufficient coverage at this position in the ExAC database. This variant, c.454_462del, results in the deletion of 3 amino acid(s) of the ZSWIM6 protein (p.Gly152_Gly154del), but otherwise preserves the integrity of the reading frame.